The following is an entry in ClinVar:

ClinVar aggregate classification (germline): Uncertain significance (1 of 4 stars; one submission).

Allele frequency attached by ClinVar (database versions not stated): gnomAD exomes 0.00001.
gnomAD v4.1: 8 of 1,613,956 alleles (0.0005%); highest among the groups gnomAD compares: Non-Finnish European, 0.00068%; no homozygotes.

Submission:

Labcorp Genetics (formerly Invitae), Labcorp
Classification: Uncertain significance. Last evaluated: 2025-01-13. Review status: criteria provided, single submitter. Criteria: Invitae Variant Classification Sherloc (09022015). Collection method: clinical testing. Allele origin: germline.
Comment: This sequence change replaces arginine, which is basic and polar, with histidine, which is basic and polar, at codon 325 of the PRPF3 protein (p.Arg325His). This variant is not present in population databases (gnomAD no frequency). This variant has not been reported in the literature in individuals affected with PRPF3-related conditions. This missense change has been observed in at least one individual who was not affected with PRPF3-related conditions (internal data). ClinVar contains an entry for this variant (Variation ID: 1969883). Invitae Evidence Modeling of protein sequence and biophysical properties (such as structural, functional, and spatial information, amino acid conservation, physicochemical variation, residue mobility, and thermodynamic stability) has been performed for this missense variant. However, the output from this modeling did not meet the statistical confidence thresholds required to predict the impact of this variant on PRPF3 protein function. In summary, the available evidence is currently insufficient to determine the role of this variant in disease. Therefore, it has been classified as a Variant of Uncertain Significance.

NM_004698.4(PRPF3):c.974G>A (p.Arg325His)

Gene: PRPF3 (pre-mRNA processing factor 3; plus strand). Cytogenetic location: 1q21.2.
Variant type: single nucleotide variant.
Coding change: c.974G>A on transcript NM_004698.4 (MANE Select); coding-DNA position 974, G replaced by A.
Protein change: p.Arg325His; replaces arginine 325 with histidine.
Molecular consequence: missense variant. On other transcripts: non-coding transcript variant (4).
Genome position (GRCh38, 1-based): chr1:150,335,180, G>A. VCF-style: chr1-150335180-G-A. GRCh37 (hg19) VCF-style: chr1-150307651-G-A.
Other names: c.569G>A, p.Arg190His (NM_001350529.1); short protein forms R325H, R190H.
Identifiers: ClinVar variation 1969883 (VCV001969883.5), dbSNP rs2525137022, ClinGen allele CA342294722.